The following is an entry in ClinVar:

ClinVar aggregate classification (germline): Uncertain significance (1 of 4 stars; one submission).

Conditions:
COG5-congenital disorder of glycosylation. Also called: CDG IIi; CONGENITAL DISORDER OF GLYCOSYLATION, TYPE IIi; COG5-CDG. Identifiers: Orphanet 263487, MedGen C3150876, MONDO:0013325, OMIM 613612.

Allele frequency attached by ClinVar (database versions not stated): gnomAD 0.00001; gnomAD exomes 0.00001.
gnomAD v4.1: 9 of 1,613,834 alleles (0.00056%); highest among the groups gnomAD compares: Non-Finnish European, 0.00059%; no homozygotes.

Submission:

Labcorp Genetics (formerly Invitae), Labcorp
Classification: Uncertain significance for COG5-congenital disorder of glycosylation. Last evaluated: 2022-02-17. Review status: criteria provided, single submitter. Criteria: Invitae Variant Classification Sherloc (09022015). Collection method: clinical testing. Allele origin: germline.
Comment: This sequence change replaces aspartic acid, which is acidic and polar, with histidine, which is basic and polar, at codon 515 of the COG5 protein (p.Asp515His). This variant is present in population databases (no rsID available, gnomAD 0.004%). This variant has not been reported in the literature in individuals affected with COG5-related conditions. Algorithms developed to predict the effect of missense changes on protein structure and function are either unavailable or do not agree on the potential impact of this missense change (SIFT: "Deleterious"; PolyPhen-2: "Possibly Damaging"; Align-GVGD: "Class C0"). In summary, the available evidence is currently insufficient to determine the role of this variant in disease. Therefore, it has been classified as a Variant of Uncertain Significance.

NM_006348.5(COG5):c.1450G>C (p.Asp484His)

Gene: COG5 (component of oligomeric golgi complex 5; minus strand). Cytogenetic location: 7q22.3.
Variant type: single nucleotide variant.
Coding change: c.1450G>C on transcript NM_006348.5 (MANE Select); coding-DNA position 1450, G replaced by C.
Protein change: p.Asp484His; replaces aspartic acid 484 with histidine.
Molecular consequence: missense variant. On other transcripts: intron variant (1).
Genome position (GRCh38, 1-based): chr7:107,283,596, C>G on the plus strand (G>C on the coding strand, the complement: COG5 is on the minus strand). VCF-style: chr7-107283596-C-G. GRCh37 (hg19) VCF-style: chr7-106924041-C-G.
Other names: c.1450G>C, p.Asp484His (NM_001161520.2, NM_001379512.1, NM_001379513.1 and 2 more transcripts); c.880G>C, p.Asp294His (NM_001379515.1); c.736G>C, p.Asp246His (NM_001379516.1); c.1314-2197G>C (NM_001379511.1); short protein forms D484H, D294H, D246H.
Identifiers: ClinVar variation 2152761 (VCV002152761.4), dbSNP rs1231046686, ClinGen allele CA368938071.